The following is an entry in ClinVar:

ClinVar aggregate classification (germline): Uncertain significance (1 of 4 stars; one submission).

Conditions:
Aniridia 1 (AN1). Identifiers: Orphanet 250923, MedGen C0344542, MONDO:0024507, OMIM 106210.
Irido-corneo-trabecular dysgenesis (ASGD5). Also called: ANTERIOR SEGMENT DYSGENESIS 5. Identifiers: Orphanet 708, MedGen C0344559, MONDO:0011414, OMIM 604229, HP:0000659.

Submission:

Labcorp Genetics (formerly Invitae), Labcorp
Classification: Uncertain significance for Aniridia 1; Irido-corneo-trabecular dysgenesis. Last evaluated: 2024-06-26. Review status: criteria provided, single submitter. Criteria: Invitae Variant Classification Sherloc (09022015). Collection method: clinical testing. Allele origin: germline.
Comment: This sequence change replaces glycine, which is neutral and non-polar, with alanine, which is neutral and non-polar, at codon 72 of the PAX6 protein (p.Gly72Ala). This variant is not present in population databases (gnomAD no frequency). This variant has not been reported in the literature in individuals affected with PAX6-related conditions. Advanced modeling of protein sequence and biophysical properties (such as structural, functional, and spatial information, amino acid conservation, physicochemical variation, residue mobility, and thermodynamic stability) performed at Invitae indicates that this missense variant is expected to disrupt PAX6 protein function with a positive predictive value of 80%. This variant disrupts the p.Gly72Cys amino acid residue in PAX6. Other variant(s) that disrupt this residue have been determined to be pathogenic (PMID: 2080308, 34101622). This suggests that this residue is clinically significant, and that variants that disrupt this residue are likely to be disease-causing. In summary, the available evidence is currently insufficient to determine the role of this variant in disease. Therefore, it has been classified as a Variant of Uncertain Significance.

Literature cited by the submitters: PubMed 2080308; PubMed 34101622.

NM_001368894.2(PAX6):c.257G>C (p.Gly86Ala)

Gene: PAX6 (paired box 6; minus strand). Cytogenetic location: 11p13.
Variant type: single nucleotide variant.
Coding change: c.257G>C on transcript NM_001368894.2 (MANE Select); coding-DNA position 257, G replaced by C.
Protein change: p.Gly86Ala; replaces glycine 86 with alanine.
Molecular consequence: missense variant. On other transcripts: 5 prime UTR variant (14), non-coding transcript variant (2), intron variant (8).
Genome position (GRCh38, 1-based): chr11:31,801,703, C>G on the plus strand (G>C on the coding strand, the complement: PAX6 is on the minus strand). VCF-style: chr11-31801703-C-G. GRCh37 (hg19) VCF-style: chr11-31823251-C-G.
Other names: c.215G>C, p.Gly72Ala (NM_000280.6, NM_001127612.3, NM_001258464.2 and 10 more transcripts); c.257G>C, p.Gly86Ala (NM_001258462.3, NM_001258463.2, NM_001310158.2 and 6 more transcripts); c.-525G>C (NM_001310160.2, NM_001368902.2, NM_001368905.2); c.-194G>C (NM_001310161.3, NM_001368899.2, NM_001368900.2 and 8 more transcripts); c.458G>C, p.Gly153Ala (NM_001368910.2); c.260G>C, p.Gly87Ala (NM_001368911.2); c.332G>C, p.Gly111Ala (NM_001368918.2, NM_001368919.2); c.290G>C, p.Gly97Ala (NM_001368920.2); and 2 more; short protein forms G72A, G97A, G111A, G153A, G87A, G86A.
Identifiers: ClinVar variation 2945215 (VCV002945215.3), dbSNP rs2496144154, ClinGen allele CA379958861.